The following is an entry in ClinVar:

NM_005633.4(SOS1):c.3392-16A>G

Gene: SOS1 (SOS Ras/Rac guanine nucleotide exchange factor 1; minus strand). Cytogenetic location: 2p22.1.
Variant type: single nucleotide variant.
Coding change: c.3392-16A>G on transcript NM_005633.4 (MANE Select); 16 bases into the intron before coding-DNA position 3392, A replaced by G.
Molecular consequence: intron variant.
Genome position (GRCh38, 1-based): chr2:38,987,607, T>C on the plus strand (A>G on the coding strand, the complement: SOS1 is on the minus strand). VCF-style: chr2-38987607-T-C. GRCh37 (hg19) VCF-style: chr2-39214748-T-C.
Other names: c.3371-16A>G (NM_001382394.1); c.3347-16A>G (NM_001382395.1).
Identifiers: ClinVar variation 2968749 (VCV002968749.3), dbSNP rs1352637225, ClinGen allele CA2740092827.

ClinVar aggregate classification (germline): Uncertain significance (1 of 4 stars; one submission).

Conditions:
RASopathy. Also called: rasopathies; Noonan spectrum disorder. Identifiers: Orphanet 536391, MedGen C5555857, MONDO:0021060.

Submission:

Labcorp Genetics (formerly Invitae), Labcorp
Classification: Uncertain significance for RASopathy. Last evaluated: 2022-12-02. Review status: criteria provided, single submitter. Criteria: Invitae Variant Classification Sherloc (09022015). Collection method: clinical testing. Allele origin: germline.
Comment: In summary, the available evidence is currently insufficient to determine the role of this variant in disease. Therefore, it has been classified as a Variant of Uncertain Significance. Algorithms developed to predict the effect of sequence changes on RNA splicing suggest that this variant may create or strengthen a splice site. This variant has not been reported in the literature in individuals affected with SOS1-related conditions. This variant is not present in population databases (gnomAD no frequency). This sequence change falls in intron 21 of the SOS1 gene. It does not directly change the encoded amino acid sequence of the SOS1 protein.